The following is an entry in ClinVar:

ClinVar aggregate classification (germline): Uncertain significance (1 of 4 stars; one submission).

Conditions:
MKKS-related disorder. Also called: MKKS-related disorders; MKKS-related condition.

Submission:

PreventionGenetics, part of Exact Sciences
Classification: Uncertain significance for MKKS-related condition. Last evaluated: 2025-03-09. Review status: criteria provided, single submitter. Criteria: ACMG Guidelines, 2015. Collection method: clinical testing. Allele origin: germline.
Comment: The MKKS c.1070C>G variant is predicted to result in the amino acid substitution p.Ser357Cys. To our knowledge, this variant has not been reported in the literature or in a large population database (gnomAD), indicating this variant is rare. At this time, the clinical significance of this variant is uncertain due to the absence of conclusive functional and genetic evidence.

NM_170784.3(MKKS):c.1070C>G (p.Ser357Cys)

Gene: MKKS (MKKS centrosomal shuttling protein; minus strand). Cytogenetic location: 20p12.2.
Variant type: single nucleotide variant.
Coding change: c.1070C>G on transcript NM_170784.3 (MANE Select); coding-DNA position 1070, C replaced by G.
Protein change: p.Ser357Cys; replaces serine 357 with cysteine.
Molecular consequence: missense variant. On other transcripts: non-coding transcript variant (1).
Genome position (GRCh38, 1-based): chr20:10,408,719, G>C on the plus strand (C>G on the coding strand, the complement: MKKS is on the minus strand). VCF-style: chr20-10408719-G-C. GRCh37 (hg19) VCF-style: chr20-10389367-G-C.
Other names: c.1070C>G, p.Ser357Cys (NM_018848.3); short protein forms S357C.
Identifiers: ClinVar variation 4999742 (VCV004999742.1).